The following is an entry in ClinVar:

NM_000392.5(ABCC2):c.3337del (p.Val1114fs)

Genes: ABCC2 (ATP binding cassette subfamily C member 2; plus strand), LOC126861013 (CDK7 strongly-dependent group 2 enhancer GRCh37_chr10:101593724-101594923; plus strand). Cytogenetic location: 10q24.2.
Variant type: Deletion.
Coding change: c.3337del on transcript NM_000392.5 (MANE Select); coding-DNA position 3337, one base deleted (C; older notation c.3337delC).
Protein change: p.Val1114fs; shifts the reading frame from valine 1114.
Molecular consequence: frameshift variant.
Genome position (GRCh38, 1-based): chr10:99,834,458, C deleted; the last of 3 consecutive C bases (chr10:99,834,456-99,834,458); deleting any one gives the same sequence. VCF-style (leftmost placement, unchanged base first): chr10-99834455-AC-A. GRCh37 (hg19) VCF-style: chr10-101594212-AC-A.
Other names: c.3337del, p.Val1114fs (LRG_1208t1); c.3337del (NM_000392.4); short protein forms V1114fs.
Identifiers: ClinVar variation 426249 (VCV000426249.12), dbSNP rs775771081, ClinGen allele CA5643767.

ClinVar aggregate classification (germline): Pathogenic/Likely pathogenic. Review status: criteria provided, multiple submitters, no conflicts (2 of 4 stars). 5 submissions from 5 submitters: Pathogenic (2); Likely pathogenic (3). Last evaluated 2026-05-21.

Conditions:
ABCC2-related disorder. Also called: ABCC2-related condition.
Dubin-Johnson syndrome (DJS). Also called: HYPERBILIRUBINEMIA, DUBIN-JOHNSON TYPE; Hyperbilirubinemia type 2; Jaundice, Chronic Idiopathic. Identifiers: Orphanet 234, MedGen C0022350, MONDO:0009380, OMIM 237500.

Submissions (5):

PreventionGenetics, part of Exact Sciences
Classification: Likely pathogenic for ABCC2-related condition. Last evaluated: 2026-05-21. Review status: criteria provided, single submitter. Criteria: ACMG Guidelines, 2015. Collection method: clinical testing. Allele origin: germline.
Comment: The ABCC2 c.3337delC variant is predicted to result in a frameshift and premature protein termination (p.Val1114Serfs*2). To our knowledge, this variant has not been reported in the literature in individuals with ABCC2-related disorders. At PreventionGenetics, we have observed this variant in the homozygous state in multiple patients undergoing cholestasis testing (internal data). This variant is reported in 0.020% of alleles in individuals of South Asian descent in gnomAD. Frameshift variants in ABCC2 are expected to be pathogenic. This variant is interpreted as likely pathogenic.

Labcorp Genetics (formerly Invitae), Labcorp
Classification: Pathogenic. Last evaluated: 2026-01-13. Review status: criteria provided, single submitter. Criteria: Invitae Variant Classification Sherloc (09022015). Collection method: clinical testing. Allele origin: germline.
Comment: This sequence change creates a premature translational stop signal (p.Val1114Serfs*2) in the ABCC2 gene. It is expected to result in an absent or disrupted protein product. Loss-of-function variants in ABCC2 are known to be pathogenic (PMID: 9185779, 16549534, 16952291). This variant is present in population databases (rs775771081, gnomAD 0.02%). This variant has not been reported in the literature in individuals affected with ABCC2-related conditions. ClinVar contains an entry for this variant (Variation ID: 426249). For these reasons, this variant has been classified as Pathogenic.

GeneDx
Classification: Pathogenic. Last evaluated: 2023-04-04. Review status: criteria provided, single submitter. Criteria: GeneDx Variant Classification Process June 2021. Collection method: clinical testing. Allele origin: germline. Affected: yes.
Comment: Frameshift variant predicted to result in protein truncation or nonsense mediated decay in a gene for which loss of function is a known mechanism of disease; Not observed at significant frequency in large population cohorts (gnomAD); Has not been previously published as pathogenic or benign to our knowledge; This variant is associated with the following publications: (PMID: 31589614)

Revvity Omics, Revvity
Classification: Likely pathogenic for Dubin-Johnson syndrome. Last evaluated: 2023-01-30. Review status: criteria provided, single submitter. Criteria: ACMG Guidelines, 2015. Collection method: clinical testing. Allele origin: germline.

Neuberg Centre For Genomic Medicine, NCGM
Classification: Likely pathogenic for Dubin-Johnson syndrome. Review status: criteria provided, single submitter. Criteria: ACMG Guidelines, 2015. Collection method: clinical testing. Allele origin: germline. Inheritance: Autosomal recessive inheritance. Affected: yes.
Comment: The frame shift c.3337del(p.Val1114SerfsTer2) variant in ABCC2 gene has been reported to the ClinVar database as Pathogenic / Likely pathogenic. The observed variant has allele frequency of 0.002% in gnomAD exomes database. This variant causes a frameshift starting with codon Valine 1114, changes this amino acid to Serine residue, and creates a premature Stop codon at position 2 of the new reading frame, denoted p.Val1114SerfsTer2. This variant is predicted to cause loss of normal protein function through protein truncation. Loss of function variants have been previously reported to be disease causing. However, functional studies will be required to confirm the pathogenicity of the variant. For these reasons, this variant has been classified as Likely Pathogenic.

Literature cited by the submitters: PubMed 9185779 (cited by Labcorp Genetics (formerly Invitae), Labcorp); PubMed 16549534 (cited by Labcorp Genetics (formerly Invitae), Labcorp); PubMed 16952291 (cited by Labcorp Genetics (formerly Invitae), Labcorp).